The following is an entry in ClinVar:

NM_003036.4(SKI):c.1720GAG[1] (p.Glu575del)

Gene: SKI (SKI proto-oncogene; plus strand). Cytogenetic location: 1p36.32.
Variant type: Microsatellite.
Coding change: c.1720GAG[1] on transcript NM_003036.4 (MANE Select); one copy of the 3-base unit GAG starting at c.1720; the reference has two copies in a row; one copy, 3 bases deleted.
Protein change: p.Glu575del; deletes glutamic acid 575.
Molecular consequence: inframe deletion.
Genome position (GRCh38, 1-based): chr1:2,304,541-2,304,543, GAG deleted; deleting any 3 consecutive bases within chr1:2,304,536-2,304,543 gives the same sequence; the position shown is the placement nearest the transcript's 3' end. VCF-style (leftmost placement, unchanged base first): chr1-2304535-CAGG-C. GRCh37 (hg19) VCF-style: chr1-2235974-CAGG-C.
Other names: short protein forms E575del.
Identifiers: ClinVar variation 2571748 (VCV002571748.6), dbSNP rs1368758910, ClinGen allele CA520669364.
Genomic context (GRCh38, chr1:2,304,535, plus strand): 5'-CTGGACACCAAGGAAGCCAAAGAGAAGTTCCTGCATGAGGTGGTCAAGATGCGCGTGAAG[CAGG>C]AGGAGAAGCTCAGCGCAGCCCTGCAGGCCAAGCGCAGCCTCCACCAGGTGAGCGGGGCGA-3'

ClinVar aggregate classification (germline): Uncertain significance. Review status: criteria provided, multiple submitters, no conflicts (2 of 4 stars). 2 submissions from 2 submitters: Uncertain significance (2). Last evaluated 2026-03-01.

Submissions (2):

CeGaT Center for Human Genetics Tuebingen
Classification: Uncertain significance. Last evaluated: 2026-03-01. Review status: criteria provided, single submitter. Criteria: CeGaT Center For Human Genetics Tuebingen Variant Classification Criteria Version 2. Collection method: clinical testing. Allele origin: germline. Affected: yes. Observed: 1 variant allele.
Comment: SKI: PM2, PM4:Supporting

GeneDx
Classification: Uncertain significance. Last evaluated: 2023-10-19. Review status: criteria provided, single submitter. Criteria: GeneDx Variant Classification Process June 2021. Collection method: clinical testing. Allele origin: germline. Affected: yes.
Comment: In-frame deletion of 1 amino acid in a non-repeat region; In silico analysis supports a deleterious effect on protein structure/function; Has not been previously published as pathogenic or benign to our knowledge